The following is an entry in ClinVar:

ClinVar aggregate classification (germline): Uncertain significance (1 of 4 stars; one submission).

Submission:

Women's Health and Genetics/Laboratory Corporation of America, LabCorp
Classification: Uncertain significance. Last evaluated: 2025-10-02. Review status: criteria provided, single submitter. Criteria: LabCorp Variant Classification Summary - May 2015. Collection method: clinical testing. Allele origin: germline.
Comment: Variant summary: TJP2 c.3003G>C (p.Gln1001His) results in a non-conservative amino acid change in the encoded protein sequence. Algorithms developed to predict the effect of missense changes on protein structure and function are either unavailable or do not agree on the potential impact of this missense change. The variant was absent in 250874 control chromosomes. The available data on variant occurrences in the general population are insufficient to allow any conclusion about variant significance. To our knowledge, no occurrence of c.3003G>C in individuals affected with TJP2-related conditions and no experimental evidence demonstrating its impact on protein function have been reported. No submitters have cited clinical-significance assessments for this variant to ClinVar. Based on the evidence outlined above, the variant was classified as uncertain significance.

NM_004817.4(TJP2):c.3003G>C (p.Gln1001His)

Gene: TJP2 (tight junction protein 2; plus strand). Cytogenetic location: 9q21.11.
Variant type: single nucleotide variant.
Coding change: c.3003G>C on transcript NM_004817.4 (MANE Select); coding-DNA position 3003, G replaced by C.
Protein change: p.Gln1001His; replaces glutamine 1001 with histidine.
Molecular consequence: missense variant. On other transcripts: intron variant (3).
Genome position (GRCh38, 1-based): chr9:69,251,046, G>C. VCF-style: chr9-69251046-G-C. GRCh37 (hg19) VCF-style: chr9-71865962-G-C.
Other names: c.2934G>C, p.Gln978His (NM_001369871.1); c.2892G>C, p.Gln964His (NM_001369872.1); c.2679G>C, p.Gln893His (NM_001369873.1); c.3015G>C, p.Gln1005His (NM_001369875.1); c.2812-1769G>C (NM_001170414.2); c.2881-1769G>C (NM_201629.3); c.2893-1769G>C (NM_001369874.1); c.2904G>C, p.Gln968His (NM_001170415.1); and 2 more; short protein forms Q1001H, Q1005H, Q1032H, Q893H, Q964H, Q968H, Q976H, Q978H.
Identifiers: ClinVar variation 4687616 (VCV004687616.1).